The following is an entry in ClinVar:

NM_030662.4(MAP2K2):c.450+15G>T

Gene: MAP2K2 (mitogen-activated protein kinase kinase 2; minus strand). Cytogenetic location: 19p13.3.
Variant type: single nucleotide variant.
Coding change: c.450+15G>T on transcript NM_030662.4 (MANE Select); 15 bases into the intron after coding-DNA position 450, G replaced by T.
Molecular consequence: intron variant.
Genome position (GRCh38, 1-based): chr19:4,110,494, C>A on the plus strand (G>T on the coding strand, the complement: MAP2K2 is on the minus strand). VCF-style: chr19-4110494-C-A. GRCh37 (hg19) VCF-style: chr19-4110492-C-A.
Identifiers: ClinVar variation 40794 (VCV000040794.19), dbSNP rs10424545, ClinGen allele CA137942.

ClinVar aggregate classification (germline): Benign. Review status: criteria provided, multiple submitters, no conflicts (2 of 4 stars). 8 submissions from 8 submitters: Benign (6). 2 of the submissions do not count toward it. Last evaluated 2026-02-04.

Conditions:
RASopathy. Also called: rasopathies; Noonan spectrum disorder. Identifiers: Orphanet 536391, MedGen C5555857, MONDO:0021060.

Allele frequency attached by ClinVar (database versions not stated): ExAC 0.01453; ESP Exome Variant Server 0.04998; gnomAD exomes 0.00433 and 0.01177; gnomAD 0.04430 and 0.04749; 1000 Genomes Project 0.04832; TOPMed 0.04978; 1000 Genomes Project 30x 0.05059.
gnomAD v4.1: 13,330 of 1,612,562 alleles (0.83%); highest among the groups gnomAD compares: African/African-American, 15%; 988 homozygotes.

Submissions (8):

Labcorp Genetics (formerly Invitae), Labcorp
Classification: Benign for RASopathy. Last evaluated: 2026-02-04. Review status: criteria provided, single submitter. Criteria: Invitae Variant Classification Sherloc (09022015). Collection method: clinical testing. Allele origin: germline.

Women's Health and Genetics/Laboratory Corporation of America, LabCorp
Classification: Benign. Last evaluated: 2019-08-19. Review status: criteria provided, single submitter. Criteria: LabCorp Variant Classification Summary - May 2015. Collection method: clinical testing. Allele origin: germline.
Comment: Variant summary: MAP2K2 c.450+15G>T alters a non-conserved nucleotide located close to a canonical splice site and therefore could affect mRNA splicing, leading to a significantly altered protein sequence. Several computational tools predict a significant impact on normal splicing: Three predict that the variant creates a 5' donor site. However, these predictions have yet to be confirmed by functional studies. The variant allele was found at a frequency of 0.012 in 249874 control chromosomes, predominantly at a frequency of 0.16 within the African or African-American subpopulation in the gnomAD database, including 209 homozygotes. The observed variant frequency within African or African-American control individuals in the gnomAD database is approximately 64000-folds over the estimated maximal expected allele frequency for a pathogenic variant in MAP2K2 causing Noonan Syndrome and Related Conditions phenotype (2.5e-06), strongly suggesting that the variant is a benign polymorphism found primarily in populations of African or African-American origin. No clinical diagnostic laboratories have submitted clinical-significance assessments for this variant to ClinVar after 2014. Based on the evidence outlined above, the variant was classified as benign.

GeneDx
Classification: Benign. Last evaluated: 2015-03-03. Review status: criteria provided, single submitter. Criteria: GeneDx Variant Classification Process June 2021. Collection method: clinical testing. Allele origin: germline. Affected: yes.

Laboratory for Molecular Medicine, Mass General Brigham Personalized Medicine
Classification: Benign. Last evaluated: 2012-06-13. Review status: criteria provided, single submitter. Criteria: LMM Criteria. Collection method: clinical testing. Allele origin: germline. Observed: 41 variant alleles.

Breakthrough Genomics
Classification: Benign. Review status: criteria provided, single submitter. Criteria: ACMG Guidelines, 2015. Collection method: not provided. Allele origin: germline. Inheritance: Autosomal dominant inheritance. Affected: yes.

PreventionGenetics, part of Exact Sciences
Classification: Benign. Review status: criteria provided, single submitter. Criteria: ACMG Guidelines, 2015. Collection method: clinical testing. Allele origin: germline.

Clinical Genetics, Academic Medical Center
Classification: Benign. Review status: no assertion criteria provided. Collection method: clinical testing. Allele origin: germline. Affected: yes. Study: VKGL Data-share Consensus. Not counted in ClinVar's aggregate classification.

Joint Genome Diagnostic Labs from Nijmegen and Maastricht, Radboudumc and MUMC+
Classification: Benign. Review status: no assertion criteria provided. Collection method: clinical testing. Allele origin: germline. Affected: yes. Study: VKGL Data-share Consensus. Not counted in ClinVar's aggregate classification.